The following is an entry in ClinVar:

ClinVar aggregate classification (germline): Uncertain significance (1 of 4 stars; one submission).

Conditions:
PHIP-related disorder. Also called: PHIP-related condition; PHIP-related disorders.

Submission:

PreventionGenetics, part of Exact Sciences
Classification: Uncertain significance for PHIP-related condition. Last evaluated: 2024-12-05. Review status: criteria provided, single submitter. Criteria: ACMG Guidelines, 2015. Collection method: clinical testing. Allele origin: germline.
Comment: The PHIP c.4282G>C variant is predicted to result in the amino acid substitution p.Ala1428Pro. To our knowledge, this variant has not been reported in the literature. This variant is reported in 0.00093% of alleles in individuals of European (Non-Finnish) descent in gnomAD. At this time, the clinical significance of this variant is uncertain due to the absence of conclusive functional and genetic evidence.

NM_017934.7(PHIP):c.4282G>C (p.Ala1428Pro)

Genes: IRAK1BP1 (interleukin 1 receptor associated kinase 1 binding protein 1; plus strand), PHIP (PHIP subunit of CUL4-Ring ligase complex; minus strand). Cytogenetic location: 6q14.1.
Variant type: single nucleotide variant.
Coding change: c.4282G>C on transcript NM_017934.7 (MANE Select); coding-DNA position 4282, G replaced by C.
Protein change: p.Ala1428Pro; replaces alanine 1428 with proline.
Molecular consequence: missense variant.
Genome position (GRCh38, 1-based): chr6:78,946,799, C>G on the plus strand (G>C on the coding strand, the complement: PHIP is on the minus strand). VCF-style: chr6-78946799-C-G. GRCh37 (hg19) VCF-style: chr6-79656516-C-G.
Other names: short protein forms A1428P.
Identifiers: ClinVar variation 4996904 (VCV004996904.1).
Genomic context (GRCh38, chr6:78,946,799, plus strand): 5'-TGCTTCTGTTTCTTTTCTTCCTCCTTTTGGTTATGGTATTTCTTTTATGAAAACGAAGAG[C>G]AGATTTATAATCTGATAAAACTGAACTAATGTGTTCTTCAAAGAAAGCAGACAGGCGCAA-3'
Protein context (NP_060404.4, residues 1418-1438): ISSVLSDYKS[Ala1428Pro]LRFHKRNTIT